The following is an entry in ClinVar:

ClinVar aggregate classification (germline): Pathogenic. Review status: criteria provided, multiple submitters, no conflicts (2 of 4 stars). 2 submissions from 2 submitters: Pathogenic (2). Last evaluated 2025-05-24.

Conditions:
Pendred syndrome (PDS). Also called: Pendred Syndrome (PDS); DEAFNESS WITH GOITER; GOITER-DEAFNESS SYNDROME; HYPOTHYROIDISM, CONGENITAL, DUE TO DYSHORMONOGENESIS, 2B; THYROID DYSHORMONOGENESIS 2B; THYROID HORMONOGENESIS, GENETIC DEFECT IN, 2B. Identifiers: Orphanet 705, MedGen C0271829, MONDO:0010134, OMIM 274600.

Submissions (2):

Myriad Genetics, Inc.
Classification: Pathogenic for Pendred syndrome. Last evaluated: 2025-05-24. Review status: criteria provided, single submitter. Criteria: Myriad Autosomal Dominant, Autosomal Recessive and X-Linked Classification Criteria (2023). Collection method: clinical testing. Allele origin: unknown.
Comment: NM_000441.1(SLC26A4):c.99_100delGC(Q34Tfs*52) is expected to be pathogenic in the context of Pendred syndrome. This variant is predicted to lead to an abnormal or absent protein product due to the creation of a premature termination codon in SLC26A4, a gene where loss-of-function variants are known to be pathogenic. Please note: this variant was assessed in the context of healthy population screening.

Labcorp Genetics (formerly Invitae), Labcorp
Classification: Pathogenic. Last evaluated: 2022-10-20. Review status: criteria provided, single submitter. Criteria: Invitae Variant Classification Sherloc (09022015). Collection method: clinical testing. Allele origin: germline.
Comment: This variant has not been reported in the literature in individuals affected with SLC26A4-related conditions. For these reasons, this variant has been classified as Pathogenic. This variant is not present in population databases (gnomAD no frequency). This sequence change creates a premature translational stop signal (p.Gln34Thrfs*52) in the SLC26A4 gene. It is expected to result in an absent or disrupted protein product. Loss-of-function variants in SLC26A4 are known to be pathogenic (PMID: 16283880, 25394566, 26252218, 26445815).

Literature cited by the submitters: PubMed 16283880 (cited by Labcorp Genetics (formerly Invitae), Labcorp); PubMed 25394566 (cited by Labcorp Genetics (formerly Invitae), Labcorp); PubMed 26252218 (cited by Labcorp Genetics (formerly Invitae), Labcorp); PubMed 26445815 (cited by Labcorp Genetics (formerly Invitae), Labcorp).

NM_000441.2(SLC26A4):c.99_100del (p.Gln34fs)

Genes: SLC26A4 (solute carrier family 26 member 4; plus strand), SLC26A4-AS1 (SLC26A4 antisense RNA 1; minus strand). Cytogenetic location: 7q22.3.
Variant type: Deletion.
Coding change: c.99_100del on transcript NM_000441.2 (MANE Select); coding-DNA positions 99 to 100, 2 bases deleted (GC; older notation c.99_100delGC).
Protein change: p.Gln34fs; shifts the reading frame from glutamine 34.
Molecular consequence: frameshift variant. On other transcripts: non-coding transcript variant (1).
Genome position (GRCh38, 1-based): chr7:107,661,740-107,661,741, GC deleted. VCF-style (leftmost placement, unchanged base first): chr7-107661739-AGC-A. GRCh37 (hg19) VCF-style: chr7-107302184-AGC-A.
Other names: short protein forms Q34fs.
Identifiers: ClinVar variation 2036332 (VCV002036332.5), dbSNP rs2535278229, ClinGen allele CA2580076148.